The following is an entry in ClinVar:

ClinVar aggregate classification (germline): Benign/Likely benign. Review status: criteria provided, multiple submitters, no conflicts (2 of 4 stars). 2 submissions from 2 submitters: Benign (1); Likely benign (1). Last evaluated 2021-12-11.

Conditions:
Ceroid lipofuscinosis, neuronal, 4 (Kufs type) (CLN4). Also called: Neuronal ceroid lipofuscinosis 4B; Ceroid lipofuscinosis, neuronal, 4, Parry type. Identifiers: Orphanet 228343, Orphanet 79262, MedGen C1834207, MONDO:0008083, OMIM 162350.

Allele frequency attached by ClinVar (database versions not stated): gnomAD 0.00321 and 0.00347; 1000 Genomes Project 0.00339; TOPMed 0.00388.

Submissions (2):

GeneDx
Classification: Likely benign. Last evaluated: 2021-12-11. Review status: criteria provided, single submitter. Criteria: GeneDx Variant Classification Process June 2021. Collection method: clinical testing. Allele origin: germline. Affected: yes.
Comment: See Variant Classification Assertion Criteria.

Illumina Laboratory Services, Illumina
Classification: Benign for Ceroid lipofuscinosis, neuronal, 4 (Kufs type). Last evaluated: 2018-01-13. Review status: criteria provided, single submitter. Criteria: ICSL Variant Classification Criteria 13 December 2019. Collection method: clinical testing. Allele origin: germline.
Comment: This variant was observed in the ICSL laboratory as part of a predisposition screen in an ostensibly healthy population. It had not been previously curated by ICSL or reported in the Human Gene Mutation Database (HGMD: prior to June 1st, 2018), and was therefore a candidate for classification through an automated scoring system. Utilizing variant allele frequency, disease prevalence and penetrance estimates, and inheritance mode, an automated score was calculated to assess if this variant is too frequent to cause the disease. Based on the score and internal cut-off values, a variant classified as benign is not then subjected to further curation. The score for this variant resulted in a classification of benign for this disease.

NM_025219.3(DNAJC5):c.*1235C>T

Gene: DNAJC5 (DnaJ heat shock protein family (Hsp40) member C5; plus strand). Cytogenetic location: 20q13.33.
Variant type: single nucleotide variant.
Coding change: c.*1235C>T on transcript NM_025219.3 (MANE Select); 1235 bases downstream of the stop codon, C replaced by T.
Molecular consequence: 3 prime UTR variant.
Genome position (GRCh38, 1-based): chr20:63,932,803, C>T. VCF-style: chr20-63932803-C-T. GRCh37 (hg19) VCF-style: chr20-62564156-C-T.
Identifiers: ClinVar variation 339385 (VCV000339385.8), dbSNP rs149675982, ClinGen allele CA10644403.